The following is an entry in ClinVar:

NM_001048174.2(MUTYH):c.1244T>G (p.Val415Gly)

Gene: MUTYH (mutY DNA glycosylase; minus strand). Cytogenetic location: 1p34.1.
Variant type: single nucleotide variant.
Coding change: c.1244T>G on transcript NM_001048174.2 (MANE Select); coding-DNA position 1244, T replaced by G.
Protein change: p.Val415Gly; replaces valine 415 with glycine.
Molecular consequence: missense variant. On other transcripts: non-coding transcript variant (7).
Genome position (GRCh38, 1-based): chr1:45,331,330, A>C on the plus strand (T>G on the coding strand, the complement: MUTYH is on the minus strand). VCF-style: chr1-45331330-A-C. GRCh37 (hg19) VCF-style: chr1-45797002-A-C.
Other names: c.1244T>G, p.Val415Gly (NM_001293195.2, NM_001407070.1, NM_001407072.1 and 6 more transcripts); c.968T>G, p.Val323Gly (NM_001293196.2, NM_001407091.1, NM_001293192.2); c.899T>G, p.Val300Gly (NM_001350650.2, NM_001350651.2, NM_001407082.1); c.1277T>G, p.Val426Gly (NM_001407069.1, NM_001293191.2, NM_001407077.1); c.1247T>G, p.Val416Gly (NM_001407071.1, NM_001048172.2, NM_001407078.1 and 1 more transcripts); c.1265T>G, p.Val422Gly (NM_001407087.1); c.1319T>G, p.Val440Gly (NM_012222.3); c.1328T>G, p.Val443Gly (NM_001128425.2); and 5 more; short protein forms V300G, V323G, V415G, V416G, V426G, V440G, V387G, V401G.
Identifiers: ClinVar variation 4113180 (VCV004113180.1).
Genomic context (GRCh38, chr1:45,331,330, plus strand): 5'-TGCCCTTCCAAGGCCAGCCCATATACTTGATATGTCAGCTTGATGTGAGAGAAGGTGTGG[A>C]CAACCTGGAGGAAGGGTCAAGGGGTTCAAATAGGCCTGTGGATATAGCCTCAAAAGCCAA-3'
Protein context (NP_001041639.1, residues 405-425): ATHLRHLGEV[Val415Gly]HTFSHIKLTY

ClinVar aggregate classification (germline): Uncertain significance (1 of 4 stars; one submission).

Conditions:
Hereditary cancer-predisposing syndrome. Also called: Tumor predisposition; Neoplastic Syndromes, Hereditary; Hereditary neoplastic syndrome; Hereditary Cancer Syndrome. Identifiers: Orphanet 140162, MedGen C0027672, MeSH D009386, MONDO:0015356.

Submission:

Ambry Genetics
Classification: Uncertain significance for Hereditary cancer-predisposing syndrome. Last evaluated: 2025-08-27. Review status: criteria provided, single submitter. Criteria: Ambry Variant Classification Scheme 2023. Collection method: clinical testing. Allele origin: germline.
Comment: The p.V443G variant (also known as c.1328T>G), located in coding exon 14 of the MUTYH gene, results from a T to G substitution at nucleotide position 1328. The valine at codon 443 is replaced by glycine, an amino acid with dissimilar properties. This amino acid position is conserved. In addition, the in silico prediction for this alteration is inconclusive. Based on the available evidence, the clinical significance of this variant remains unclear.